The following is an entry in ClinVar:

ClinVar aggregate classification (germline): Uncertain significance. Review status: criteria provided, multiple submitters, no conflicts (2 of 4 stars). 6 submissions from 6 submitters: Uncertain significance (5). 1 of the submissions does not count toward it. Last evaluated 2025-03-31.

Conditions:
TERT-related disorder. Also called: TERT-related condition; TERT-related disorders.
Pulmonary fibrosis and/or bone marrow failure, Telomere-related, 1. Also called: PULMONARY FIBROSIS AND/OR BONE MARROW FAILURE SYNDROME, TELOMERE-RELATED, 1. Identifiers: Orphanet 88, MedGen C3553617, MONDO:0013878, OMIM 614742.
Acute myeloid leukemia (AML). Also called: Leukemia, acute myeloid, somatic; Leukemia, acute myelogenous, somatic; Acute myeloid leukemia, adult; AML adult; Acute non-lymphocytic leukemia; Acute granulocytic leukemia. Identifiers: Orphanet 519, MedGen C0023467, MeSH D015470, MONDO:0018874, OMIM 601626, HP:0004808. Disease mechanism: Constitutively activated FLT3.
Dyskeratosis congenita, autosomal dominant 2. Identifiers: MedGen C3151443, MONDO:0013521, OMIM 613989.
Melanoma, cutaneous malignant, susceptibility to, 9. Also called: Cutaneous malignant melanoma 9. Identifiers: Orphanet 618, MedGen C3554574, MONDO:0014056, OMIM 615134.
Idiopathic Pulmonary Fibrosis. Also called: Idiopathic fibrosing alveolitis, chronic form; idiopathic fibrosing alveolitis. Identifiers: Orphanet 2032, MedGen C1800706, MeSH D054990, MONDO:0800504.
Dyskeratosis congenita. Identifiers: Orphanet 1775, MedGen C0265965, MONDO:0015780.

Allele frequency attached by ClinVar (database versions not stated): gnomAD exomes below 0.00001; gnomAD 0.00001; TOPMed 0.00001; ExAC 0.00004; 1000 Genomes Project 30x 0.00016; 1000 Genomes Project 0.00020.
gnomAD v4.1: 6 of 1,581,936 alleles (0.00038%); highest among the groups gnomAD compares: African/African-American, 0.004%; no homozygotes.

Submissions (6):

Ambry Genetics
Classification: Uncertain significance for Dyskeratosis congenita. Last evaluated: 2025-03-31. Review status: criteria provided, single submitter. Criteria: Ambry Variant Classification Scheme 2023. Collection method: clinical testing. Allele origin: germline.
Comment: The p.R691H variant (also known as c.2072G>A), located in coding exon 5 of the TERT gene, results from a G to A substitution at nucleotide position 2072. The arginine at codon 691 is replaced by histidine, an amino acid with highly similar properties. This amino acid position is well conserved in available vertebrate species. In addition, the in silico prediction for this alteration is inconclusive. Based on the available evidence, the clinical significance of this variant remains unclear.

Labcorp Genetics (formerly Invitae), Labcorp
Classification: Uncertain significance for Dyskeratosis congenita, autosomal dominant 2; Idiopathic Pulmonary Fibrosis. Last evaluated: 2024-05-06. Review status: criteria provided, single submitter. Criteria: Invitae Variant Classification Sherloc (09022015). Collection method: clinical testing. Allele origin: germline.
Comment: This sequence change replaces arginine, which is basic and polar, with histidine, which is basic and polar, at codon 691 of the TERT protein (p.Arg691His). The frequency data for this variant in the population databases is considered unreliable, as metrics indicate poor data quality at this position in the gnomAD database. This missense change has been observed in individual(s) with clinical features of TERT-related conditions (Invitae). ClinVar contains an entry for this variant (Variation ID: 424177). Advanced modeling of protein sequence and biophysical properties (such as structural, functional, and spatial information, amino acid conservation, physicochemical variation, residue mobility, and thermodynamic stability) performed at Invitae indicates that this missense variant is expected to disrupt TERT protein function with a positive predictive value of 95%. In summary, the available evidence is currently insufficient to determine the role of this variant in disease. Therefore, it has been classified as a Variant of Uncertain Significance.

Fulgent Genetics
Classification: Uncertain significance for Acute myeloid leukemia; Dyskeratosis congenita, autosomal dominant 2; Pulmonary fibrosis and/or bone marrow failure, Telomere-related, 1; Melanoma, cutaneous malignant, susceptibility to, 9. Last evaluated: 2024-04-30. Review status: criteria provided, single submitter. Criteria: ACMG Guidelines, 2015. Collection method: clinical testing. Allele origin: germline.

GeneDx
Classification: Uncertain significance. Last evaluated: 2017-03-07. Review status: criteria provided, single submitter. Criteria: GeneDx Variant Classification (06012015). Collection method: clinical testing. Allele origin: germline. Affected: yes.
Comment: The R691H variant in the TERT gene has not been reported previously as a pathogenic variant, nor as a benign variant, to our knowledge. The R691H variant is not observed at a significant frequency in large population cohorts (Lek et al., 2016; 1000 Genomes Consortium et al., 2015; Exome Variant Server). The R691H variant is a conservative amino acid substitution, which is not likely to impact secondary protein structure as these residues share similar properties. This substitution occurs at a position that is not conserved. In silico analysis is inconsistent in its predictions as to whether or not the variant is damaging to the protein structure/function. We interpret R691H as a variant of uncertain significance.

Neuberg Centre For Genomic Medicine, NCGM
Classification: Uncertain significance for Pulmonary fibrosis and/or bone marrow failure, Telomere-related, 1. Review status: criteria provided, single submitter. Criteria: ACMG Guidelines, 2015. Collection method: clinical testing. Allele origin: germline. Inheritance: Autosomal dominant inheritance. Affected: yes.
Comment: The missense variant in c.2072G>A(p.Arg691His) in TERT gene has not been reported previously as a pathogenic variant nor as a benign variant, to our knowledge. The p.Arg691His variant is novel (not in any individuals) in 1000 Genomes. This variant has been reported to the ClinVar database as Uncertain Significance (VUS). The amino acid Arg at position 691 is changed to a His changing protein sequence and it might alter its composition and physico-chemical properties. For these reasons, this variant has been classified as Uncertain Significance (VUS).

PreventionGenetics, part of Exact Sciences
Classification: Uncertain significance for TERT-related condition. Last evaluated: 2024-08-02. Review status: no assertion criteria provided. Collection method: clinical testing. Allele origin: germline. Not counted in ClinVar's aggregate classification.
Comment: The TERT c.2072G>A variant is predicted to result in the amino acid substitution p.Arg691His. To our knowledge, this variant has not been reported in the literature or in a large population database, indicating this variant is rare. At this time, the clinical significance of this variant is uncertain due to the absence of conclusive functional and genetic evidence.

NM_198253.3(TERT):c.2072G>A (p.Arg691His)

Gene: TERT (telomerase reverse transcriptase; minus strand). Cytogenetic location: 5p15.33.
Variant type: single nucleotide variant.
Coding change: c.2072G>A on transcript NM_198253.3 (MANE Select); coding-DNA position 2072, G replaced by A.
Protein change: p.Arg691His; replaces arginine 691 with histidine.
Molecular consequence: missense variant. On other transcripts: non-coding transcript variant (2).
Genome position (GRCh38, 1-based): chr5:1,279,349, C>T on the plus strand (G>A on the coding strand, the complement: TERT is on the minus strand). VCF-style: chr5-1279349-C-T. GRCh37 (hg19) VCF-style: chr5-1279464-C-T.
Other names: c.2072G>A, p.Arg691His (NM_001193376.3); short protein forms R691H.
Identifiers: ClinVar variation 424177 (VCV000424177.11), dbSNP rs202123213, ClinGen allele CA3184677.